The following is an entry in ClinVar:

NM_001287491.2(TET3):c.5243del (p.Gly1748fs)

Gene: TET3 (tet methylcytosine dioxygenase 3; plus strand). Cytogenetic location: 2p13.1.
Variant type: Deletion.
Coding change: c.5243del on transcript NM_001287491.2 (MANE Select); coding-DNA position 5243, one base deleted (G; older notation c.5243delG).
Protein change: p.Gly1748fs; shifts the reading frame from glycine 1748.
Molecular consequence: frameshift variant.
Genome position (GRCh38, 1-based): chr2:74,102,031, G deleted; the last of 7 consecutive G bases (chr2:74,102,025-74,102,031); deleting any one gives the same sequence. VCF-style (leftmost placement, unchanged base first): chr2-74102024-TG-T. GRCh37 (hg19) VCF-style: chr2-74329151-TG-T.
Other names: c.4964del, p.Gly1655fs (NM_001366022.1); c.4838delG, p.Gly1613Alafs (NM_144993.1); short protein forms G1655fs, G1748fs.
Identifiers: ClinVar variation 2629605 (VCV002629605.2), dbSNP rs759623160, ClinGen allele CA645528343.

ClinVar aggregate classification (germline): Likely pathogenic (1 of 4 stars; one submission).

Conditions:
TET3-related disorder. Also called: TET3-Related Disease; TET3-related condition.

Submission:

PreventionGenetics, part of Exact Sciences
Classification: Likely pathogenic for TET3-related condition. Last evaluated: 2023-01-08. Review status: criteria provided, single submitter. Criteria: ACMG Guidelines, 2015. Collection method: clinical testing. Allele origin: germline.
Comment: The TET3 c.5243delG variant is predicted to result in a frameshift and a substantially extended protein (p.Gly1748Alafs*106) (the normal termination signal is at codon 1796). To our knowledge, this variant has not been reported in the literature or in a large population database, indicating this variant is rare. Frameshift variants in TET3 are expected to be pathogenic. To our knowledge, no pathogenic variants that result in an extended protein have been reported yet in the literature. This variant is interpreted as likely pathogenic.